The following is an entry in ClinVar:

ClinVar aggregate classification (germline): Pathogenic (1 of 4 stars; one submission).

Conditions:
Inborn genetic diseases. Identifiers: MedGen C0950123, MeSH D030342.
Cardiac anomalies - developmental delay - facial dysmorphism syndrome (MRFACD). Also called: Impaired intellectual development and distinctive facial features with or without cardiac defects; MED13L Syndrome. Identifiers: Orphanet 369891, MedGen C5192431, MONDO:0014773, OMIM 616789.

Submission:

Ambry Genetics
Classification: Pathogenic for Inborn genetic diseases. Last evaluated: 2018-01-19. Review status: criteria provided, single submitter. Criteria: Ambry exome assertion method (8-5-2015). Collection method: clinical testing. Allele origin: germline. Affected: yes. Observed: 1 variant allele.

NM_015335.5(MED13L):c.5365-1G>A

Gene: MED13L (mediator complex subunit 13L; minus strand). Cytogenetic location: 12q24.21.
Variant type: single nucleotide variant.
Coding change: c.5365-1G>A on transcript NM_015335.5 (MANE Select); the canonical splice acceptor site of the intron before coding-DNA position 5365, G replaced by A.
Molecular consequence: splice acceptor variant.
Genome position (GRCh38, 1-based): chr12:115,975,739, C>T on the plus strand (G>A on the coding strand, the complement: MED13L is on the minus strand). VCF-style: chr12-115975739-C-T. GRCh37 (hg19) VCF-style: chr12-116413544-C-T.
Identifiers: ClinVar variation 986094 (VCV000986094.4), dbSNP rs1876893450, ClinGen allele CA386879690.